The following is an entry in ClinVar:

NM_001134673.4(NFIA):c.465A>G (p.Gln155=)

Gene: NFIA (nuclear factor I A; plus strand). Cytogenetic location: 1p31.3.
Variant type: single nucleotide variant.
Coding change: c.465A>G on transcript NM_001134673.4 (MANE Select); coding-DNA position 465, A replaced by G.
Protein change: p.Gln155=; no amino-acid change (glutamine 155 retained).
Molecular consequence: synonymous variant.
Genome position (GRCh38, 1-based): chr1:61,088,586, A>G. VCF-style: chr1-61088586-A-G. GRCh37 (hg19) VCF-style: chr1-61554258-A-G.
Other names: c.465A>G (NM_005595.4); c.441A>G, p.Gln147= (NM_001145511.2); c.600A>G, p.Gln200= (NM_001145512.2); c.465A>G, p.Gln155= (NM_005595.5).
Identifiers: ClinVar variation 2066234 (VCV002066234.6), dbSNP rs772940972, ClinGen allele CA880943.

ClinVar aggregate classification (germline): Likely benign. Review status: criteria provided, single submitter (1 of 4 stars). 2 submissions from 2 submitters: Likely benign (1). 1 of the submissions does not count toward it. Last evaluated 2024-11-15.

Conditions:
NFIA-Related Disorder. Also called: NFIA-related condition; NFIA-related disorders. Identifiers: MedGen CN381099.

Allele frequency attached by ClinVar (database versions not stated): ExAC 0.00001; gnomAD 0.00001; gnomAD exomes 0.00001; TOPMed 0.00003.
gnomAD v4.1: 14 of 1,614,010 alleles (0.00087%); highest among the groups gnomAD compares: African/African-American, 0.0053%; no homozygotes.

Submissions (2):

Labcorp Genetics (formerly Invitae), Labcorp
Classification: Likely benign. Last evaluated: 2024-11-15. Review status: criteria provided, single submitter. Criteria: Invitae Variant Classification Sherloc (09022015). Collection method: clinical testing. Allele origin: germline.

PreventionGenetics, part of Exact Sciences
Classification: Likely benign for NFIA-related condition. Last evaluated: 2019-09-05. Review status: no assertion criteria provided. Collection method: clinical testing. Allele origin: germline. Not counted in ClinVar's aggregate classification.
Comment: This variant is classified as likely benign based on ACMG/AMP sequence variant interpretation guidelines (Richards et al. 2015 PMID: 25741868, with internal and published modifications).